The following is an entry in ClinVar:

ClinVar aggregate classification (germline): Pathogenic. Review status: criteria provided, single submitter (1 of 4 stars). 2 submissions from 2 submitters: Pathogenic (1). 1 of the submissions does not count toward it. Last evaluated 2025-10-14.

Conditions:
Hereditary breast ovarian cancer syndrome. Also called: Hereditary breast and ovarian cancer syndrome (HBOC); Hereditary breast and/or ovarian cancer syndrome; BRCA1- and BRCA2-Associated Hereditary Breast and Ovarian Cancer; Hereditary breast and ovarian cancer syndrome; Hereditary breast and ovarian cancer; Breast and ovarian cancer. Identifiers: Orphanet 145, MedGen C0677776, MeSH D061325, MONDO:0003582. Disease mechanism: loss of function.
Familial cancer of breast. Also called: BREAST CANCER, FAMILIAL; Hereditary breast cancer; hereditary breast carcinoma. Identifiers: Orphanet 227535, MedGen C0346153, MONDO:0016419, OMIM 114480. Disease mechanism: loss of function.

Submissions (2):

Labcorp Genetics (formerly Invitae), Labcorp
Classification: Pathogenic for Hereditary breast ovarian cancer syndrome. Last evaluated: 2025-10-14. Review status: criteria provided, single submitter. Criteria: Invitae Variant Classification Sherloc (09022015). Collection method: clinical testing. Allele origin: germline.
Comment: This sequence change creates a premature translational stop signal (p.Met2393*) in the BRCA2 gene. It is expected to result in an absent or disrupted protein product. Loss-of-function variants in BRCA2 are known to be pathogenic (PMID: 20104584). This variant is not present in population databases (gnomAD no frequency). This variant has not been reported in the literature in individuals affected with BRCA2-related conditions. ClinVar contains an entry for this variant (Variation ID: 1012167). For these reasons, this variant has been classified as Pathogenic.

Genomic Center, National Cancer Institute
Classification: Pathogenic for Familial cancer of breast. Review status: no assertion criteria provided. Collection method: case-control. Allele origin: germline. Affected: yes. Not counted in ClinVar's aggregate classification.

Literature cited by the submitters: PubMed 20104584 (cited by Labcorp Genetics (formerly Invitae), Labcorp).

NM_000059.4(BRCA2):c.7177del (p.Lys2392_Met2393insTer)

Gene: BRCA2 (BRCA2 DNA repair associated; plus strand). Cytogenetic location: 13q13.1.
Variant type: Deletion.
Coding change: c.7177del on transcript NM_000059.4 (MANE Select); coding-DNA position 7177, one base deleted (A; older notation c.7177delA).
Protein change: p.Lys2392_Met2393insTer.
Molecular consequence: nonsense.
Genome position (GRCh38, 1-based): chr13:32,355,030, A deleted; the last of 6 consecutive A bases (chr13:32,355,025-32,355,030); deleting any one gives the same sequence. VCF-style (leftmost placement, unchanged base first): chr13-32355024-GA-G. GRCh37 (hg19) VCF-style: chr13-32929161-GA-G.
Other names: c.7177delA (NM_000059.4).
Identifiers: ClinVar variation 1012167 (VCV001012167.4), dbSNP rs397507899, ClinGen allele CA1139770422.